The following is an entry in ClinVar:

ClinVar aggregate classification (germline): Uncertain significance (1 of 4 stars; one submission).

gnomAD v4.1: 24 of 1,613,288 alleles (0.0015%); highest among the groups gnomAD compares: East Asian, 0.049%; no homozygotes.

Submission:

Ambry Genetics
Classification: Uncertain significance. Last evaluated: 2024-12-11. Review status: criteria provided, single submitter. Criteria: Ambry Variant Classification Scheme 2023. Collection method: clinical testing. Allele origin: germline.
Comment: Does not currently meet published gene-disease clinical validity criteria Based on insufficient or conflicting evidence, the clinical significance of this alteration remains unclear.

Literature cited by the submitters: PubMed 28106320.

NM_015231.3(NUP160):c.2674-6C>T

Gene: NUP160 (nucleoporin 160; minus strand). Cytogenetic location: 11p11.2.
Variant type: single nucleotide variant.
Coding change: c.2674-6C>T on transcript NM_015231.3 (MANE Select); 6 bases into the intron before coding-DNA position 2674, C replaced by T.
Molecular consequence: intron variant.
Genome position (GRCh38, 1-based): chr11:47,801,936, G>A on the plus strand (C>T on the coding strand, the complement: NUP160 is on the minus strand). VCF-style: chr11-47801936-G-A. GRCh37 (hg19) VCF-style: chr11-47823488-G-A.
Identifiers: ClinVar variation 3881719 (VCV003881719.1).
Genomic context (GRCh38, chr11:47,801,936, plus strand): 5'-CCAAGAATTCCTCTTTGCCTACTTCAGATGCTGCCTGACAAAAACATTCCAGAGCCTGGA[G>A]AAATAAAATATAAAATGACTTGTAACAGATCATTCAAATTCTAGGTGCTATGAATCAGGG-3'